The following is an entry in ClinVar:

ClinVar aggregate classification (germline): Pathogenic/Likely pathogenic. Review status: criteria provided, multiple submitters, no conflicts (2 of 4 stars). 2 submissions from 2 submitters: Pathogenic (1); Likely pathogenic (1). Last evaluated 2026-03-18.

Conditions:
Loeys-Dietz syndrome 4 (LDS4). Also called: ANEURYSM, AORTIC AND CEREBRAL, WITH ARTERIAL TORTUOSITY AND SKELETAL MANIFESTATIONS; TGFB2-Related Loeys-Dietz Syndrome. Identifiers: MedGen C3553762, MONDO:0013897, OMIM 614816.

Allele frequency attached by ClinVar (database versions not stated): gnomAD exomes below 0.00001.
gnomAD v4.1: 1 of 1,570,652 alleles (0.000064%); highest among the groups gnomAD compares: Non-Finnish European, 0.000086%; no homozygotes.

Submissions (2):

GeneDx
Classification: Pathogenic. Last evaluated: 2026-03-18. Review status: criteria provided, single submitter. Criteria: GeneDx Variant Classification Process June 2021. Collection method: clinical testing. Allele origin: germline. Affected: yes.
Comment: Reported in a patient with non-syndromic thoracic aortic aneurysm and dissection in published literature (PMID: 36517271); Canonical splice site variant predicted to result in a null allele in a gene for which loss of function is a known mechanism of disease; Not observed at significant frequency in large population cohorts (gnomAD); This variant is associated with the following publications: (PMID: 22772368, 30739908, 22772371, 36517271)

Labcorp Genetics (formerly Invitae), Labcorp
Classification: Likely pathogenic for Loeys-Dietz syndrome 4. Last evaluated: 2021-04-10. Review status: criteria provided, single submitter. Criteria: Invitae Variant Classification Sherloc (09022015). Collection method: clinical testing. Allele origin: germline.
Comment: In summary, the currently available evidence indicates that the variant is pathogenic, but additional data are needed to prove that conclusively. Therefore, this variant has been classified as Likely Pathogenic. Algorithms developed to predict the effect of sequence changes on RNA splicing suggest that this variant may disrupt the consensus splice site, but this prediction has not been confirmed by published transcriptional studies. Disruption of this splice site has been observed in individual(s) with thoracic aortic aneurysm and/or dissection (PMID: 30739908). ClinVar contains an entry for this variant (Variation ID: 453158). This variant is not present in population databases (ExAC no frequency). This sequence change affects a donor splice site in intron 1 of the TGFB2 gene. It is expected to disrupt RNA splicing. Variants that disrupt the donor or acceptor splice site typically lead to a loss of protein function (PMID: 16199547), and loss-of-function variants in TGFB2 are known to be pathogenic (PMID: 22772368, 22772371, 30739908).

Literature cited by the submitters: PubMed 30739908 (cited by Labcorp Genetics (formerly Invitae), Labcorp); PubMed 16199547 (cited by Labcorp Genetics (formerly Invitae), Labcorp); PubMed 22772368 (cited by Labcorp Genetics (formerly Invitae), Labcorp); PubMed 22772371 (cited by Labcorp Genetics (formerly Invitae), Labcorp).

NM_003238.6(TGFB2):c.346+1G>A

Gene: TGFB2 (transforming growth factor beta 2; plus strand). Cytogenetic location: 1q41.
Variant type: single nucleotide variant.
Coding change: c.346+1G>A on transcript NM_003238.6 (MANE Select); the canonical splice donor site of the intron after coding-DNA position 346, G replaced by A.
Molecular consequence: splice donor variant.
Genome position (GRCh38, 1-based): chr1:218,347,048, G>A. VCF-style: chr1-218347048-G-A. GRCh37 (hg19) VCF-style: chr1-218520390-G-A.
Other names: c.346+1G>A (NM_001135599.4).
Identifiers: ClinVar variation 453158 (VCV000453158.12), dbSNP rs1553292145, ClinGen allele CA344725835.